The following is an entry in ClinVar:

ClinVar aggregate classification (germline): Uncertain significance (1 of 4 stars; one submission).

Submission:

Labcorp Genetics (formerly Invitae), Labcorp
Classification: Uncertain significance. Last evaluated: 2024-02-05. Review status: criteria provided, single submitter. Criteria: Invitae Variant Classification Sherloc (09022015). Collection method: clinical testing. Allele origin: germline.
Comment: This sequence change replaces glutamine, which is neutral and polar, with histidine, which is basic and polar, at codon 530 of the CNOT1 protein (p.Gln530His). This variant is present in population databases (no rsID available, gnomAD 0.0009%). This variant has not been reported in the literature in individuals affected with CNOT1-related conditions. ClinVar contains an entry for this variant (Variation ID: 2006956). An algorithm developed to predict the effect of missense changes on protein structure and function (PolyPhen-2) suggests that this variant is likely to be tolerated. In summary, the available evidence is currently insufficient to determine the role of this variant in disease. Therefore, it has been classified as a Variant of Uncertain Significance.

NM_016284.5(CNOT1):c.1590G>T (p.Gln530His)

Gene: CNOT1 (CCR4-NOT transcription complex subunit 1; minus strand). Cytogenetic location: 16q21.
Variant type: single nucleotide variant.
Coding change: c.1590G>T on transcript NM_016284.5 (MANE Select); coding-DNA position 1590, G replaced by T.
Protein change: p.Gln530His; replaces glutamine 530 with histidine.
Molecular consequence: missense variant. On other transcripts: non-coding transcript variant (1).
Genome position (GRCh38, 1-based): chr16:58,576,577, C>A on the plus strand (G>T on the coding strand, the complement: CNOT1 is on the minus strand). VCF-style: chr16-58576577-C-A. GRCh37 (hg19) VCF-style: chr16-58610481-C-A.
Other names: c.1590G>T, p.Gln530His (NM_001265612.2, NM_206999.3); short protein forms Q530H.
Identifiers: ClinVar variation 2006956 (VCV002006956.4), dbSNP rs1389971018, ClinGen allele CA396142062.